The following is an entry in ClinVar:

ClinVar aggregate classification (germline): Uncertain significance. Review status: criteria provided, multiple submitters, no conflicts (2 of 4 stars). 7 submissions from 7 submitters: Uncertain significance (6). 1 of the submissions does not count toward it. Last evaluated 2025-07-27.

Conditions:
TRAPPC9-related disorder. Also called: TRAPPC9-related condition.
Inborn genetic diseases. Identifiers: MedGen C0950123, MeSH D030342.
Intellectual developmental disorder, autosomal recessive 13. Also called: Intellectual disability, autosomal recessive 13. Identifiers: Orphanet 88616, MedGen C2750791, MONDO:0013173, OMIM 613192.

Allele frequency attached by ClinVar (database versions not stated): gnomAD exomes 0.00002 and 0.00005; ExAC 0.00004; TOPMed 0.00009; gnomAD 0.00010 and 0.00011.
gnomAD v4.1: 57 of 1,614,004 alleles (0.0035%); highest among the groups gnomAD compares: Admixed American, 0.03%; 1 homozygote.

Submissions (7):

Labcorp Genetics (formerly Invitae), Labcorp
Classification: Uncertain significance. Last evaluated: 2025-07-27. Review status: criteria provided, single submitter. Criteria: Invitae Variant Classification Sherloc (09022015). Collection method: clinical testing. Allele origin: germline.
Comment: This sequence change replaces alanine, which is neutral and non-polar, with valine, which is neutral and non-polar, at codon 1059 of the TRAPPC9 protein (p.Ala1059Val). This variant is present in population databases (rs769398594, gnomAD 0.02%). This variant has not been reported in the literature in individuals affected with TRAPPC9-related conditions. ClinVar contains an entry for this variant (Variation ID: 212426). An algorithm developed to predict the effect of missense changes on protein structure and function (PolyPhen-2) suggests that this variant is likely to be disruptive. In summary, the available evidence is currently insufficient to determine the role of this variant in disease. Therefore, it has been classified as a Variant of Uncertain Significance.

Department of Pathology and Laboratory Medicine, Sinai Health System
Classification: Uncertain significance for Intellectual developmental disorder, autosomal recessive 13. Last evaluated: 2022-11-19. Review status: criteria provided, single submitter. Criteria: ACMG Guidelines, 2015. Collection method: research. Allele origin: germline.

GeneDx
Classification: Uncertain significance. Last evaluated: 2022-09-08. Review status: criteria provided, single submitter. Criteria: GeneDx Variant Classification Process June 2021. Collection method: clinical testing. Allele origin: germline. Affected: yes.
Comment: Has not been previously published as pathogenic or benign to our knowledge

Fulgent Genetics
Classification: Uncertain significance for Intellectual developmental disorder, autosomal recessive 13. Last evaluated: 2018-10-31. Review status: criteria provided, single submitter. Criteria: ACMG Guidelines, 2015. Collection method: clinical testing. Allele origin: unknown.

Ambry Genetics
Classification: Uncertain significance for Inborn genetic diseases. Last evaluated: 2018-02-02. Review status: criteria provided, single submitter. Criteria: Ambry Variant Classification Scheme 2023. Collection method: clinical testing. Allele origin: germline.
Comment: The p.A1059V variant (also known as c.3176C>T), located in coding exon 20 of the TRAPPC9 gene, results from a C to T substitution at nucleotide position 3176. The alanine at codon 1059 is replaced by valine, an amino acid with similar properties. This amino acid position is not well conserved in available vertebrate species. In addition, this alteration is predicted to be tolerated by in silico analysis. Since supporting evidence is limited at this time, the clinical significance of this variant remains unclear.

Genetic Services Laboratory, University of Chicago
Classification: Uncertain significance. Last evaluated: 2015-02-10. Review status: criteria provided, single submitter. Criteria: ACMG Guidelines, 2015. Collection method: clinical testing. Allele origin: germline.

PreventionGenetics, part of Exact Sciences
Classification: Uncertain significance for TRAPPC9-related condition. Last evaluated: 2024-07-05. Review status: no assertion criteria provided. Collection method: clinical testing. Allele origin: germline. Not counted in ClinVar's aggregate classification.
Comment: The TRAPPC9 c.3176C>T variant is predicted to result in the amino acid substitution p.Ala1059Val. To our knowledge, this variant has not been reported in the literature. This variant is reported in 0.023% of alleles in individuals of Latino descent in gnomAD. At this time, the clinical significance of this variant is uncertain due to the absence of conclusive functional and genetic evidence.

NM_001160372.4(TRAPPC9):c.2882C>T (p.Ala961Val)

Gene: TRAPPC9 (trafficking protein particle complex subunit 9; minus strand). Cytogenetic location: 8q24.3.
Variant type: single nucleotide variant.
Coding change: c.2882C>T on transcript NM_001160372.4 (MANE Select); coding-DNA position 2882, C replaced by T.
Protein change: p.Ala961Val; replaces alanine 961 with valine.
Molecular consequence: missense variant. On other transcripts: non-coding transcript variant (1).
Genome position (GRCh38, 1-based): chr8:139,910,229, G>A on the plus strand (C>T on the coding strand, the complement: TRAPPC9 is on the minus strand). VCF-style: chr8-139910229-G-A. GRCh37 (hg19) VCF-style: chr8-140922473-G-A.
Other names: c.3176C>T (NM_031466.7); c.2855C>T, p.Ala952Val (NM_001321646.2); c.2903C>T, p.Ala968Val (NM_001374682.1); c.2771C>T, p.Ala924Val (NM_001374683.1); c.2738C>T, p.Ala913Val (NM_001374684.1); c.2882C>T, p.Ala961Val (NM_031466.8); short protein forms A961V, A952V, A913V, A924V, A968V.
Identifiers: ClinVar variation 212426 (VCV000212426.23), dbSNP rs769398594, ClinGen allele CA208009.